The following is an entry in ClinVar:

ClinVar aggregate classification (germline): Uncertain significance. Review status: criteria provided, multiple submitters, no conflicts (2 of 4 stars). 3 submissions from 3 submitters: Uncertain significance (3). Last evaluated 2023-11-27.

Conditions:
Inborn genetic diseases. Identifiers: MedGen C0950123, MeSH D030342.
Autosomal recessive polycystic kidney disease (ARPKD). Also called: AR polycystic kidney disease. Identifiers: Orphanet 731, Orphanet 8378, MedGen C0085548, MeSH D017044, MONDO:0009889.

Allele frequency attached by ClinVar (database versions not stated): gnomAD 0.00002.
gnomAD v4.1: 21 of 1,614,036 alleles (0.0013%); highest among the groups gnomAD compares: Middle Eastern, 0.017%; 1 homozygote.

Submissions (3):

Blueprint Genetics
Classification: Uncertain significance. Last evaluated: 2023-11-27. Review status: criteria provided, single submitter. Criteria: ACMG Guidelines, 2015. Collection method: clinical testing. Allele origin: germline.

Ambry Genetics
Classification: Uncertain significance for Inborn genetic diseases. Last evaluated: 2023-07-25. Review status: criteria provided, single submitter. Criteria: Ambry Variant Classification Scheme 2023. Collection method: clinical testing. Allele origin: germline.

Labcorp Genetics (formerly Invitae), Labcorp
Classification: Uncertain significance for Autosomal recessive polycystic kidney disease. Last evaluated: 2022-10-05. Review status: criteria provided, single submitter. Criteria: Invitae Variant Classification Sherloc (09022015). Collection method: clinical testing. Allele origin: germline.
Comment: This sequence change replaces threonine, which is neutral and polar, with methionine, which is neutral and non-polar, at codon 1137 of the PKHD1 protein (p.Thr1137Met). This variant is present in population databases (rs753409918, gnomAD 0.006%). This variant has not been reported in the literature in individuals affected with PKHD1-related conditions. Advanced modeling of protein sequence and biophysical properties (such as structural, functional, and spatial information, amino acid conservation, physicochemical variation, residue mobility, and thermodynamic stability) performed at Invitae indicates that this missense variant is not expected to disrupt PKHD1 protein function. In summary, the available evidence is currently insufficient to determine the role of this variant in disease. Therefore, it has been classified as a Variant of Uncertain Significance.

NM_138694.4(PKHD1):c.3410C>T (p.Thr1137Met)

Gene: PKHD1 (PKHD1 ciliary IPT domain containing fibrocystin/polyductin; minus strand). Cytogenetic location: 6p12.2.
Variant type: single nucleotide variant.
Coding change: c.3410C>T on transcript NM_138694.4 (MANE Select); coding-DNA position 3410, C replaced by T.
Protein change: p.Thr1137Met; replaces threonine 1137 with methionine.
Molecular consequence: missense variant.
Genome position (GRCh38, 1-based): chr6:52,028,306, G>A on the plus strand (C>T on the coding strand, the complement: PKHD1 is on the minus strand). VCF-style: chr6-52028306-G-A. GRCh37 (hg19) VCF-style: chr6-51893104-G-A.
Other names: c.3410C>T, p.Thr1137Met (NM_170724.3); c.3410C>T (NM_138694.3); short protein forms T1137M.
Identifiers: ClinVar variation 2200383 (VCV002200383.4), dbSNP rs753409918, ClinGen allele CA3852947.